The following is an entry in ClinVar:

GRCh37/hg19 10q22.3-23.2(chr10:81697811-88768847)

Genes: AGAP11 (ArfGAP with GTPase domain, ankyrin repeat and PH domain 11; plus strand), ANXA11 (annexin A11; minus strand), GHITM (growth hormone inducible transmembrane protein; plus strand), GPR15LG (G protein-coupled receptor 15 ligand; plus strand), MAT1A (methionine adenosyltransferase 1A; minus strand) and 26 more. Cytogenetic location: 10q22.3-23.2.
Variant type: copy number loss.
Identifiers: ClinVar variation 625557 (VCV000625557.1).

ClinVar aggregate classification (germline): Pathogenic (1 of 4 stars; one submission).

Submission:

Baylor Genetics
Classification: Pathogenic. Last evaluated: 2018-11-01. Review status: criteria provided, single submitter. Criteria: ACMG CNV Guidelines, 2011. Collection method: clinical testing. Allele origin: paternal. Observed: 1 variant allele.